The following is an entry in ClinVar:

ClinVar aggregate classification (germline): Uncertain significance (1 of 4 stars; one submission).

Submission:

Labcorp Genetics (formerly Invitae), Labcorp
Classification: Uncertain significance. Last evaluated: 2023-01-12. Review status: criteria provided, single submitter. Criteria: Invitae Variant Classification Sherloc (09022015). Collection method: clinical testing. Allele origin: germline.
Comment: In summary, the available evidence is currently insufficient to determine the role of this variant in disease. Therefore, it has been classified as a Variant of Uncertain Significance. Experimental studies and prediction algorithms are not available or were not evaluated, and the functional significance of this variant is currently unknown. A similar copy number variant has been observed in individual(s) with X-linked hypophosphatemia (PMID: 30682568). This variant results in a copy number gain of the genomic region encompassing exon(s) 13-22 of the PHEX gene. This region includes the termination codon of the gene. This copy number gain extends beyond the assayed region for this gene and therefore may encompass additional genes. As the precise location of this event is unknown, it may be in tandem or it may be located elsewhere in the genome.

Literature cited by the submitters: PubMed 30682568.

NC_000023.10:g.(?_22186409)_(22266301_?)dup

Gene: PHEX (phosphate regulating endopeptidase X-linked; plus strand). Cytogenetic location: Xp22.11.
Variant type: Duplication.
Identifiers: ClinVar variation 1510739 (VCV001510739.4).